The following is an entry in ClinVar:

NM_002439.5(MSH3):c.703C>G (p.Gln235Glu)

Gene: MSH3 (mutS homolog 3; plus strand). Cytogenetic location: 5q14.1.
Variant type: single nucleotide variant.
Coding change: c.703C>G on transcript NM_002439.5 (MANE Select); coding-DNA position 703, C replaced by G.
Protein change: p.Gln235Glu; replaces glutamine 235 with glutamic acid.
Molecular consequence: missense variant.
Genome position (GRCh38, 1-based): chr5:80,670,220, C>G. VCF-style: chr5-80670220-C-G. GRCh37 (hg19) VCF-style: chr5-79966039-C-G.
Other names: short protein forms Q235E.
Identifiers: ClinVar variation 1011349 (VCV001011349.10), dbSNP rs371356175, ClinGen allele CA3327684.
Genomic context (GRCh38, chr5:80,670,220, plus strand): 5'-AAAACTGCTTCCAAATCAGCTAACAAACGGTCCAAAAGCATCTATACGCCGCTAGAATTA[C>G]AATACATAGAAATGAAGCAGCAGCACAAAGATGCAGTTTTGTGTGTGGAATGTGGATATA-3'
Protein context (NP_002430.3, residues 225-245): SKSIYTPLEL[Gln235Glu]YIEMKQQHKD

ClinVar aggregate classification (germline): Uncertain significance. Review status: criteria provided, multiple submitters, no conflicts (2 of 4 stars). 2 submissions from 2 submitters: Uncertain significance (2). Last evaluated 2024-11-02.

Conditions:
Hereditary cancer-predisposing syndrome. Also called: Tumor predisposition; Hereditary neoplastic syndrome; Neoplastic Syndromes, Hereditary; Hereditary Cancer Syndrome. Identifiers: Orphanet 140162, MedGen C0027672, MeSH D009386, MONDO:0015356.

gnomAD v4.1: 2 of 1,614,078 alleles (0.00012%); highest among the groups gnomAD compares: East Asian, 0.0045%; no homozygotes.

Submissions (2):

Ambry Genetics
Classification: Uncertain significance for Hereditary cancer-predisposing syndrome. Last evaluated: 2024-11-02. Review status: criteria provided, single submitter. Criteria: Ambry Variant Classification Scheme 2023. Collection method: clinical testing. Allele origin: germline.
Comment: The p.Q235E variant (also known as c.703C>G), located in coding exon 4 of the MSH3 gene, results from a C to G substitution at nucleotide position 703. The glutamine at codon 235 is replaced by glutamic acid, an amino acid with highly similar properties. This amino acid position is conserved. In addition, this alteration is predicted to be deleterious by in silico analysis. Since supporting evidence is limited at this time, the clinical significance of this alteration remains unclear.

Labcorp Genetics (formerly Invitae), Labcorp
Classification: Uncertain significance. Last evaluated: 2024-10-12. Review status: criteria provided, single submitter. Criteria: Invitae Variant Classification Sherloc (09022015). Collection method: clinical testing. Allele origin: germline.
Comment: This sequence change replaces glutamine, which is neutral and polar, with glutamic acid, which is acidic and polar, at codon 235 of the MSH3 protein (p.Gln235Glu). This variant is present in population databases (rs371356175, gnomAD 0.01%). This variant has not been reported in the literature in individuals affected with MSH3-related conditions. ClinVar contains an entry for this variant (Variation ID: 1011349). An algorithm developed to predict the effect of missense changes on protein structure and function (PolyPhen-2) suggests that this variant is likely to be disruptive. In summary, the available evidence is currently insufficient to determine the role of this variant in disease. Therefore, it has been classified as a Variant of Uncertain Significance.